The following is an entry in ClinVar:

ClinVar aggregate classification (germline): Uncertain significance. Review status: criteria provided, multiple submitters, no conflicts (2 of 4 stars). 2 submissions from 2 submitters: Uncertain significance (2). Last evaluated 2024-04-11.

Conditions:
Retinitis pigmentosa 93. Identifiers: MedGen C5676970, MONDO:0030797, OMIM 619845.
COACH syndrome 2. Identifiers: MedGen C5436837, MONDO:0030859, OMIM 619111.
Meckel syndrome, type 6. Identifiers: Orphanet 564, MedGen C2676790, MONDO:0012848, OMIM 612284.
Joubert syndrome 9 (JBTS9). Identifiers: Orphanet 2318, MedGen C2676788, MONDO:0012849, OMIM 612285.
Joubert syndrome. Also called: JOUBERT-BOLTSHAUSER SYNDROME; Familial aplasia of the vermis. Identifiers: Orphanet 475, MedGen C5979921, MONDO:0018772.
Meckel-Gruber syndrome. Also called: DYSENCEPHALIA SPLANCHNOCYSTICA; GRUBER SYNDROME; Dysencephalia splachnocystica. Identifiers: Orphanet 564, MedGen C0265215, MONDO:0018921.

Submissions (2):

Fulgent Genetics
Classification: Uncertain significance for Meckel syndrome, type 6; Joubert syndrome 9; COACH syndrome 2; Retinitis pigmentosa 93. Last evaluated: 2024-04-11. Review status: criteria provided, single submitter. Criteria: ACMG Guidelines, 2015. Collection method: clinical testing. Allele origin: germline.

Labcorp Genetics (formerly Invitae), Labcorp
Classification: Uncertain significance for Joubert syndrome; Meckel-Gruber syndrome. Last evaluated: 2022-08-13. Review status: criteria provided, single submitter. Criteria: Invitae Variant Classification Sherloc (09022015). Collection method: clinical testing. Allele origin: germline.
Comment: This sequence change replaces threonine, which is neutral and polar, with asparagine, which is neutral and polar, at codon 1176 of the CC2D2A protein (p.Thr1176Asn). This variant is present in population databases (rs754966579, gnomAD 0.02%). This variant has not been reported in the literature in individuals affected with CC2D2A-related conditions. ClinVar contains an entry for this variant (Variation ID: 1497801). Advanced modeling of protein sequence and biophysical properties (such as structural, functional, and spatial information, amino acid conservation, physicochemical variation, residue mobility, and thermodynamic stability) performed at Invitae indicates that this missense variant is expected to disrupt CC2D2A protein function. In summary, the available evidence is currently insufficient to determine the role of this variant in disease. Therefore, it has been classified as a Variant of Uncertain Significance.

NM_001378615.1(CC2D2A):c.3527C>A (p.Thr1176Asn)

Genes: CC2D2A (coiled-coil and C2 domain containing 2A; plus strand), FBXL5 (F-box and leucine rich repeat protein 5; minus strand). Cytogenetic location: 4p15.32.
Variant type: single nucleotide variant.
Coding change: c.3527C>A on transcript NM_001378615.1 (MANE Select); coding-DNA position 3527, C replaced by A.
Protein change: p.Thr1176Asn; replaces threonine 1176 with asparagine.
Molecular consequence: missense variant.
Genome position (GRCh38, 1-based): chr4:15,570,429, C>A. VCF-style: chr4-15570429-C-A. GRCh37 (hg19) VCF-style: chr4-15572052-C-A.
Other names: c.3527C>A, p.Thr1176Asn (NM_001080522.2); c.3380C>A, p.Thr1127Asn (NM_001378617.1); short protein forms T1127N, T1176N.
Identifiers: ClinVar variation 1497801 (VCV001497801.4), dbSNP rs754966579, ClinGen allele CA2864197.
Genomic context (GRCh38, chr4:15,570,429, plus strand): 5'-GCAATTATTACTTCCCACCCTTCCTTTAGGATGACCGTGAAAGAGGAAGTGGAATCCATA[C>A]TCGTATTGAGAGACACTGGCTGGGATGTGTGAAAATGCCATTTAGCACAATATATTTCCA-3'
Protein context (NP_001365544.1, residues 1166-1186): DDRERGSGIH[Thr1176Asn]RIERHWLGCV